The following is an entry in ClinVar:

NM_000263.4(NAGLU):c.956C>T (p.Pro319Leu)

Gene: NAGLU (N-acetyl-alpha-glucosaminidase; plus strand). Cytogenetic location: 17q21.2.
Variant type: single nucleotide variant.
Coding change: c.956C>T on transcript NM_000263.4 (MANE Select); coding-DNA position 956, C replaced by T.
Protein change: p.Pro319Leu; replaces proline 319 with leucine.
Molecular consequence: missense variant.
Genome position (GRCh38, 1-based): chr17:42,541,141, C>T. VCF-style: chr17-42541141-C-T. GRCh37 (hg19) VCF-style: chr17-40693159-C-T.
Other names: short protein forms P319L.
Identifiers: ClinVar variation 2188489 (VCV002188489.5), dbSNP rs2510656611, ClinGen allele CA399600298.

ClinVar aggregate classification (germline): Pathogenic/Likely pathogenic. Review status: criteria provided, multiple submitters, no conflicts (2 of 4 stars). 2 submissions from 2 submitters: Pathogenic (1); Likely pathogenic (1). Last evaluated 2025-02-17.

Conditions:
Mucopolysaccharidosis, MPS-III-B (MPS3B). Also called: N-ACETYL-ALPHA-D-GLUCOSAMINIDASE DEFICIENCY; NAGLU DEFICIENCY; SANFILIPPO SYNDROME B; MPS III B; MUCOPOLYSACCHARIDOSIS, TYPE IIIB; Mucopolysaccharidosis type IIIB (Sanfilippo B). Identifiers: Orphanet 79270, MedGen C0086648, MONDO:0009656, OMIM 252920.
Charcot-Marie-Tooth disease axonal type 2V. Also called: CHARCOT-MARIE-TOOTH NEUROPATHY, TYPE 2V; CHARCOT-MARIE-TOOTH DISEASE, AXONAL, AUTOSOMAL DOMINANT, TYPE 2V. Identifiers: Orphanet 447964, MedGen C5569050, MONDO:0014665, OMIM 616491.

Submissions (2):

Women's Health and Genetics/Laboratory Corporation of America, LabCorp
Classification: Likely pathogenic for Mucopolysaccharidosis, MPS-III-B. Last evaluated: 2025-02-17. Review status: criteria provided, single submitter. Criteria: LabCorp Variant Classification Summary - May 2015. Collection method: clinical testing. Allele origin: germline.
Comment: Variant summary: NAGLU c.956C>T (p.Pro319Leu) results in a non-conservative amino acid change located in the Alpha-N-acetylglucosaminidase, tim-barrel domain (IPR024733) of the encoded protein sequence. Five of five in-silico tools predict a damaging effect of the variant on protein function. The frequency data for this variant in gnomAD is considered unreliable, as metrics indicate poor data quality at this position. c.956C>T has been reported in the literature as homozygous genotype in two individuals affected with Mucopolysaccharidosis Type IIIB (Sanfilippo Syndrome B) (Deerliyurt_2021). These data indicate that the variant is likely to be associated with disease. To our knowledge, no experimental evidence demonstrating an impact on protein function has been reported. The following publication have been ascertained in the context of this evaluation (PMID: 34396902). ClinVar contains an entry for this variant (Variation ID: 2188489). Based on the evidence outlined above, the variant was classified as likely pathogenic.

Labcorp Genetics (formerly Invitae), Labcorp
Classification: Pathogenic for Charcot-Marie-Tooth disease axonal type 2V; Mucopolysaccharidosis, MPS-III-B. Last evaluated: 2024-07-22. Review status: criteria provided, single submitter. Criteria: Invitae Variant Classification Sherloc (09022015). Collection method: clinical testing. Allele origin: germline.
Comment: This sequence change replaces proline, which is neutral and non-polar, with leucine, which is neutral and non-polar, at codon 319 of the NAGLU protein (p.Pro319Leu). This variant is not present in population databases (gnomAD no frequency). This missense change has been observed in individual(s) with mucopolysaccharidosis type IIIB (PMID: 34396902). It has also been observed to segregate with disease in related individuals. ClinVar contains an entry for this variant (Variation ID: 2188489). Advanced modeling of protein sequence and biophysical properties (such as structural, functional, and spatial information, amino acid conservation, physicochemical variation, residue mobility, and thermodynamic stability) performed at Invitae indicates that this missense variant is expected to disrupt NAGLU protein function with a positive predictive value of 95%. For these reasons, this variant has been classified as Pathogenic.

Literature cited by the submitters: PubMed 34396902 (cited by Women's Health and Genetics/Laboratory Corporation of America, LabCorp and Labcorp Genetics (formerly Invitae), Labcorp).